The following is an entry in ClinVar:

NC_012920.1(MT-ND5):m.12542C>T

Gene: MT-ND5 (mitochondrially encoded NADH dehydrogenase 5; plus strand).
Variant type: single nucleotide variant.
Genome position: chrM-12542-C-T.
Identifiers: ClinVar variation 693459 (VCV000693459.1), dbSNP rs201922401, ClinGen allele CA337099500.

ClinVar aggregate classification (germline): Benign (1 of 4 stars; one submission).

Conditions:
Leigh syndrome (NULS). Also called: Leigh's necrotizing encephalopathy; Leigh's disease; Leigh Syndrome (mtDNA deletion); Leigh Disease; Subacute necrotizing encephalopathy; Necrotizing encephalopathy infantile subacute of Leigh. Identifiers: Orphanet 506, MedGen C2931891, MONDO:0009723, OMIM 256000.

Submission:

Wong Mito Lab, Molecular and Human Genetics, Baylor College of Medicine
Classification: Benign for Leigh syndrome. Last evaluated: 2019-10-17. Review status: criteria provided, single submitter. Criteria: Modified ACMG Guidelines (Unpublished). Collection method: clinical testing. Allele origin: germline.
Comment: The NC_012920.1:m.12542C>T (YP_003024036.1:p.Ala69Val) variant in MTND5 gene is interpretated to be a Benign variant based on the modified ACMG guidelines (unpublished). This variant meets the following evidence codes: BS1, BS2, BP4